The following continues an entry in ClinVar:

NM_000059.4(BRCA2):c.7069_7070del (p.Leu2357fs)

Gene: BRCA2. ClinVar aggregate classification (germline): Pathogenic. Pathogenic (1).

Submissions 13 to 26 of 53:

GeneKor MSA
Classification: Pathogenic for Hereditary breast ovarian cancer syndrome. Last evaluated: 2025-05-15. Review status: criteria provided, single submitter. Criteria: ACMG Guidelines, 2015. Collection method: clinical testing. Allele origin: germline. Affected: yes. Not counted in ClinVar's aggregate classification.
Comment: This sequence change deletes two bases from exon 14 of the BRCA2 mRNA c.(7069_7070delCT), causing a frameshift after codon 2357 and the creation of a premature translation stop signal 2 amino acid residues later, p.(Leu2357Valfs*2). It is expected to result in an absent or disrupted protein product. Truncating variants in BRCA2 are known to be pathogenic (PMID:20104584). This variant is also known as 7297delCT in the literature and has been reported in individuals affected with breast and ovarian cancer (PMID:9429140, 21324516, 24504028, 24728189). The mutation database ClinVar contains entries for this variant where it is listed as pathogenic (VCV000038082.96). Based on the classification criteria set by the ACMG and AMP (PMID:25741868) this variant has been classified as Pathogenic.

Genomics and Molecular Medicine Service, East Genomic Laboratory Hub, NHS Genomic Medicine Service
Classification: Pathogenic for Inherited ovarian cancer (without breast cancer). Last evaluated: 2025-03-14. Review status: criteria provided, single submitter. Criteria: ACGS Best Practice Guidelines for Variant Classification in Rare Disease 2020. Collection method: clinical testing. Allele origin: germline. Affected: yes. Not counted in ClinVar's aggregate classification.
Comment: PVS1,PM5_Strong

Color Diagnostics, LLC DBA Color Health
Classification: Pathogenic for Hereditary cancer-predisposing syndrome. Last evaluated: 2025-02-03. Review status: criteria provided, single submitter. Criteria: ACMG Guidelines, 2015. Collection method: clinical testing. Allele origin: germline. Not counted in ClinVar's aggregate classification.
Comment: This variant deletes 2 nucleotides in exon 14 of the BRCA2 gene, creating a frameshift and premature translation stop signal. This variant is also known as 7297delCT in the literature. This variant is expected to result in an absent or non-functional protein product. This variant has been reported in over ten individuals affected with breast and/or ovarian cancer (PMID: 9667259, 16234499, 18824701, 20104584, 21324516, 21913181, 24504028, 24549055, 24728189), as well as colorectal cancer (PMID: 27978560) and high grade prostate cancer (PMID: 34700141). A multifactorial analysis has reported a likelihood ratio for pathogenicity based on personal and family history of 2158.141 from log(LR)=3.334 for 26 carriers (PMID: 31853058). This variant has been identified in 7/282332 chromosomes in the general population by the Genome Aggregation Database (gnomAD). Loss of BRCA2 function is a known mechanism of disease. Based on the available evidence, this variant is classified as Pathogenic.

Ambry Genetics
Classification: Pathogenic for Hereditary cancer-predisposing syndrome. Last evaluated: 2025-01-22. Review status: criteria provided, single submitter. Criteria: Ambry Variant Classification Scheme 2023. Collection method: clinical testing. Allele origin: germline. Not counted in ClinVar's aggregate classification.
Comment: The c.7069_7070delCT pathogenic mutation, located in coding exon 13 of the BRCA2 gene, results from a deletion of two nucleotides at nucleotide positions 7069 to 7070, causing a translational frameshift with a predicted alternate stop codon (p.L2357Vfs*2). This mutation has been reported in multiple hereditary breast and ovarian cancer (HBOC) cohorts (Garvin AM et al. J. Med. Genet. 1997 Dec;34:990-5; Thomassen M et al. Acta Oncol. 2008;47:772-7; Borg A et al. Hum. Mutat. 2010 Mar;31:E1200-40; Zhang S et al. Gynecol. Oncol. 2011 May;121:353-7; Litton JK et al. Cancer. 2012 Jan;118:321-5; Chong HK et al. PLoS ONE, 2014 May;9:e97408; Song H et al. Hum Mol Genet, 2014 Sep;23:4703-9; Labidi-Galy SI et al. Clin. Cancer Res. 2018 Jan;24:326-333; Heramb C et al. Hered Cancer Clin Pract, 2018 Jan;16:3; Bertelsen B et al. NPJ Genom Med, 2019 Jun;4:13). This mutation has also been reported in prostate and pancreatic cancer cohorts (Schwartz M et al. Clin Genet, 2019 12;96:579-584; Boyle JL et al. JCO Precis Oncol, 2020 Mar;4; Moses M et al. Oncotarget, 2020 Jan;11:15-21). Of note, this alteration is also designated as 7297delCT in published literature. In addition to the clinical data presented in the literature, this alteration is expected to result in loss of function by premature protein truncation or nonsense-mediated mRNA decay. As such, this alteration is interpreted as a disease-causing mutation.

Genomics and Molecular Medicine Service, East Genomic Laboratory Hub, NHS Genomic Medicine Service
Classification: Pathogenic for Inherited breast cancer and ovarian cancer. Last evaluated: 2024-09-18. Review status: criteria provided, single submitter. Criteria: ACGS Best Practice Guidelines for Variant Classification in Rare Disease 2020. Collection method: clinical testing. Allele origin: germline. Affected: yes. Not counted in ClinVar's aggregate classification.
Comment: PVS1,PS4_Very Strong,PM5_Strong

Blueprint Genetics
Classification: Pathogenic for BRCA2-related disorders. Last evaluated: 2024-09-14. Review status: criteria provided, single submitter. Criteria: ACMG Guidelines, 2015. Collection method: clinical testing. Allele origin: germline. Affected: yes. Observed: 4 variant alleles. Not counted in ClinVar's aggregate classification.

Molecular Pathology, Peter Maccallum Cancer Centre
Classification: Pathogenic for Breast-ovarian cancer, familial, susceptibility to, 2. Last evaluated: 2024-08-28. Review status: criteria provided, single submitter. Criteria: ACMG Guidelines, 2015. Collection method: clinical testing. Allele origin: germline. Inheritance: Autosomal dominant inheritance. Not counted in ClinVar's aggregate classification.

Department of Clinical Genetics, Copenhagen University Hospital, Rigshospitalet
Classification: Pathogenic for Breast-ovarian cancer, familial, susceptibility to, 2. Last evaluated: 2024-05-27. Review status: criteria provided, single submitter. Criteria: ACMG Guidelines, 2015. Collection method: clinical testing. Allele origin: germline. Affected: yes. Not counted in ClinVar's aggregate classification.
Comment: PVS1; PM5_PTC_Strong

Institute for Genomic Medicine (IGM) Clinical Laboratory, Nationwide Children's Hospital
Classification: Pathogenic for Hereditary cancer-predisposing syndrome. Last evaluated: 2024-04-23. Review status: criteria provided, single submitter. Criteria: ACMG Guidelines, 2015. Collection method: clinical testing. Allele origin: germline. Not counted in ClinVar's aggregate classification.
Comment: This variant is predicted to result in loss of function through nonsense-mediated decay of the encoded transcript or premature truncation of the encoded protein in a gene in which loss of function is a known mechanism of disease (ACMG/AMP: PVS1; PMIDs:16234499, 20104584). This variant has been reported at an elevated frequency in affected individuals/in multiple affected individuals in the literature (ACMG/AMP: PS4; PMIDs:9429140, 18465347, 21324516, 16234499, 20104584, 24728189, 34700141, 31432501). This variant is absent from or present at an exceedingly low frequency in gnomAD, a large-scale control population database (ACMG/AMP: PM2).

Baylor Genetics
Classification: Pathogenic for Breast-ovarian cancer, familial, susceptibility to, 2. Last evaluated: 2024-03-01. Review status: criteria provided, single submitter. Criteria: ACMG Guidelines, 2015. Collection method: clinical testing. Allele origin: unknown. Not counted in ClinVar's aggregate classification.

Baylor Genetics
Classification: Pathogenic for Familial cancer of breast. Last evaluated: 2024-02-09. Review status: criteria provided, single submitter. Criteria: ACMG Guidelines, 2015. Collection method: clinical testing. Allele origin: unknown. Not counted in ClinVar's aggregate classification.

All of Us Research Program, National Institutes of Health
Classification: Pathogenic for Breast-ovarian cancer, familial, susceptibility to, 2. Last evaluated: 2024-02-05. Review status: criteria provided, single submitter. Criteria: ACMG Guidelines, 2015. Collection method: clinical testing. Allele origin: germline. Inheritance: Autosomal dominant inheritance. Observed: 5 variant alleles, 5 heterozygotes. Not counted in ClinVar's aggregate classification.
Comment: This variant deletes 2 nucleotides in exon 14 of the BRCA2 gene, creating a frameshift and premature translation stop signal. This variant is also known as 7297delCT in the literature according to the BIC nomenclature. This variant is expected to result in an absent or non-functional protein product. This variant has been reported in over ten individuals affected with breast and/or ovarian cancer (PMID: 9667259, 16234499, 18824701, 20104584, 21324516, 21913181, 24504028, 24549055, 24728189), as well as colorectal cancer (PMID: 27978560) and high grade prostate cancer (PMID: 34700141). This variant has been identified in 7/282332 chromosomes in the general population by the Genome Aggregation Database (gnomAD). Loss of BRCA2 function is a known mechanism of disease. Based on the available evidence, this variant is classified as Pathogenic.

This study involves interpretation of variants in research participants for the purpose of population health screening. Participant phenotype was not available at the time of variant classification. Additional details can be found in publication PMID: 35346344, PMCID: PMC8962531

ARUP Laboratories, Molecular Genetics and Genomics, ARUP Laboratories
Classification: Pathogenic. Last evaluated: 2024-01-03. Review status: criteria provided, single submitter. Criteria: ARUP Molecular Germline Variant Investigation Process 2024. Collection method: clinical testing. Allele origin: germline. Not counted in ClinVar's aggregate classification.
Comment: The BRCA2 c.7069_7070del; p.Leu2357ValfsTer2 variant (rs80359636), also known as 7297delCT, has been reported in multiple individuals with early onset breast or ovarian cancer (Caux-Moncoutier 2011, Cunningham 2014, Garvin 1997, Zhang 2011). It is listed as pathogenic in ClinVar (Variation ID: 38082) and is observed 7 times in the Genome Aggregation Database (7/276,822 alleles). This variant causes a frameshift by deleting two nucleotides, so it is predicted to result in a truncated protein or mRNA subject to nonsense-mediated decay. Based on available information, the variant is considered to be pathogenic. References: Caux-Moncoutier V et al. EMMA, a cost- and time-effective diagnostic method for simultaneous detection of point mutations and large-scale genomic rearrangements: application to BRCA1 and BRCA2 in 1,525 patients. Hum Mutat. 2011; 32(3):325-34. PMID: 21120943. Cunningham J et al. Clinical characteristics of ovarian cancer classified by BRCA1, BRCA2, and RAD51C status. Sci Rep. 2014; 4:4026. PMID: 24504028. Garvin A et al. BRCA1 and BRCA2 mutation analysis in 86 early onset breast/ovarian cancer patients. J Med Genet. 1997; 34(12):990-5. PMID: 9429140. Zhang S et al. Frequencies of BRCA1 and BRCA2 mutations among 1,342 unselected patients with invasive ovarian cancer. Gynecol Oncol. 2011; 121(2):353-7. PMID: 21324516.

Revvity Omics, Revvity
Classification: Pathogenic. Last evaluated: 2023-11-29. Review status: criteria provided, single submitter. Criteria: ACMG Guidelines, 2015. Collection method: clinical testing. Allele origin: germline. Not counted in ClinVar's aggregate classification.